The following is an entry in ClinVar:

NM_001002755.4(NFU1):c.302+187G>A

Gene: NFU1 (NFU1 iron-sulfur cluster scaffold; minus strand). Cytogenetic location: 2p13.3.
Variant type: single nucleotide variant.
Coding change: c.302+187G>A on transcript NM_001002755.4 (MANE Select); 187 bases into the intron after coding-DNA position 302, G replaced by A.
Molecular consequence: intron variant.
Genome position (GRCh38, 1-based): chr2:69,423,395, C>T on the plus strand (G>A on the coding strand, the complement: NFU1 is on the minus strand). VCF-style: chr2-69423395-C-T. GRCh37 (hg19) VCF-style: chr2-69650527-C-T.
Other names: c.230+187G>A (NM_015700.4, NM_001374284.1); c.-121-3791G>A (NM_001002756.2).
Identifiers: ClinVar variation 669523 (VCV000669523.1), dbSNP rs11892371, ClinGen allele CA15158178.

ClinVar aggregate classification (germline): Benign (1 of 4 stars; one submission).

Allele frequency attached by ClinVar (database versions not stated): 1000 Genomes Project 0.40535; 1000 Genomes Project 30x 0.41084; gnomAD 0.44286 and 0.44882; TOPMed 0.44774.
gnomAD v4.1: 66,875 of 150,900 alleles (44%); highest among the groups gnomAD compares: African/African-American, 52%; 15,119 homozygotes.

Submission:

GeneDx
Classification: Benign. Last evaluated: 2018-06-14. Review status: criteria provided, single submitter. Criteria: GeneDx Variant Classification (06012015). Collection method: clinical testing. Allele origin: germline. Affected: yes.
Comment: This variant is considered likely benign or benign based on one or more of the following criteria: it is a conservative change, it occurs at a poorly conserved position in the protein, it is predicted to be benign by multiple in silico algorithms, and/or has population frequency not consistent with disease.